The following is an entry in ClinVar:

NM_005529.7(HSPG2):c.11289G>A (p.Leu3763=)

Gene: HSPG2 (heparan sulfate proteoglycan 2; minus strand). Cytogenetic location: 1p36.12.
Variant type: single nucleotide variant.
Coding change: c.11289G>A on transcript NM_005529.7 (MANE Select); coding-DNA position 11289, G replaced by A.
Protein change: p.Leu3763=; no amino-acid change (leucine 3763 retained).
Molecular consequence: synonymous variant.
Genome position (GRCh38, 1-based): chr1:21,831,715, C>T on the plus strand (G>A on the coding strand, the complement: HSPG2 is on the minus strand). VCF-style: chr1-21831715-C-T. GRCh37 (hg19) VCF-style: chr1-22158208-C-T.
Other names: c.11292G>A, p.Leu3764= (NM_001291860.2).
Identifiers: ClinVar variation 295722 (VCV000295722.15), dbSNP rs375617316, ClinGen allele CA669848.

ClinVar aggregate classification (germline): Benign/Likely benign. Review status: criteria provided, multiple submitters, no conflicts (2 of 4 stars). 6 submissions from 5 submitters: Benign (2); Likely benign (4). Last evaluated 2025-11-04.

Conditions:
Schwartz-Jampel syndrome. Also called: Myotonic myopathy dwarfism chondrodystrophy and ocular and facial abnormalities. Identifiers: Orphanet 800, MedGen C0036391, MONDO:0009717.
Connective tissue disorder. Also called: Connective tissue disease. Identifiers: MedGen C0009782, MONDO:0003900.
Lethal Kniest-like syndrome (DDSH). Also called: Dyssegmental Dysplasia. Identifiers: Orphanet 1865, MedGen C1857100, MONDO:0009140, OMIM 224410.

Allele frequency attached by ClinVar (database versions not stated): gnomAD exomes 0.00020 and 0.00081; gnomAD 0.00033 and 0.00048; TOPMed 0.00046; ExAC 0.00074; 1000 Genomes Project 30x 0.00187; 1000 Genomes Project 0.00220.
gnomAD v4.1: 406 of 1,606,290 alleles (0.025%); highest among the groups gnomAD compares: East Asian, 0.59%; 4 homozygotes.

Submissions (6):

Labcorp Genetics (formerly Invitae), Labcorp
Classification: Benign. Last evaluated: 2025-11-04. Review status: criteria provided, single submitter. Criteria: Invitae Variant Classification Sherloc (09022015). Collection method: clinical testing. Allele origin: germline.

Blueprint Genetics
Classification: Likely benign. Last evaluated: 2024-10-30. Review status: criteria provided, single submitter. Criteria: ACMG Guidelines, 2015. Collection method: clinical testing. Allele origin: germline.

Athena Diagnostics
Classification: Benign. Last evaluated: 2024-01-12. Review status: criteria provided, single submitter. Criteria: Athena Diagnostics Criteria. Collection method: clinical testing. Allele origin: unknown.

Genome Diagnostics Laboratory, The Hospital for Sick Children
Classification: Likely benign for Connective tissue disorder. Last evaluated: 2019-06-01. Review status: criteria provided, single submitter. Criteria: ACMG Guidelines, 2015. Collection method: clinical testing. Allele origin: germline.

Illumina Laboratory Services, Illumina
Classification: Likely benign for Schwartz-Jampel syndrome type 1. Last evaluated: 2018-01-13. Review status: criteria provided, single submitter. Criteria: ICSL Variant Classification Criteria 13 December 2019. Collection method: clinical testing. Allele origin: germline.
Comment: This variant was observed in the ICSL laboratory as part of a predisposition screen in an ostensibly healthy population. It had not been previously curated by ICSL or reported in the Human Gene Mutation Database (HGMD: prior to June 1st, 2018), and was therefore a candidate for classification through an automated scoring system. Utilizing variant allele frequency, disease prevalence and penetrance estimates, and inheritance mode, an automated score was calculated to assess if this variant is too frequent to cause the disease. Based on the score and internal cut-off values, a variant classified as likely benign is not then subjected to further curation. The score for this variant resulted in a classification of likely benign for this disease.

Illumina Laboratory Services, Illumina
Classification: Likely benign for Lethal Kniest-like syndrome. Last evaluated: 2018-01-13. Review status: criteria provided, single submitter. Criteria: ICSL Variant Classification Criteria 13 December 2019. Collection method: clinical testing. Allele origin: germline.
Comment: the same text as in the submission from Illumina Laboratory Services, Illumina above.